The following is an entry in ClinVar:

ClinVar aggregate classification (germline): Benign (0 of 4 stars; one submission).

Conditions:
UBN2-related disorder. Also called: UBN2-related condition.

Allele frequency attached by ClinVar (database versions not stated): ESP Exome Variant Server 0.00403; TOPMed 0.00416; gnomAD 0.00576; gnomAD exomes 0.00812; ExAC 0.01211; 1000 Genomes Project 0.01218; 1000 Genomes Project 30x 0.01280.
gnomAD v4.1: 12,797 of 1,613,868 alleles (0.79%); highest among the groups gnomAD compares: South Asian, 5.5%; 199 homozygotes.

Submission:

PreventionGenetics, part of Exact Sciences
Classification: Benign for UBN2-related condition. Last evaluated: 2019-09-24. Review status: no assertion criteria provided. Collection method: clinical testing. Allele origin: germline.
Comment: This variant is classified as benign based on ACMG/AMP sequence variant interpretation guidelines (Richards et al. 2015 PMID: 25741868, with internal and published modifications).

NM_173569.4(UBN2):c.3162G>A (p.Ser1054=)

Gene: UBN2 (ubinuclein 2; plus strand). Cytogenetic location: 7q34.
Variant type: single nucleotide variant.
Coding change: c.3162G>A on transcript NM_173569.4 (MANE Select); coding-DNA position 3162, G replaced by A.
Protein change: p.Ser1054=; no amino-acid change (serine 1054 retained).
Molecular consequence: synonymous variant.
Genome position (GRCh38, 1-based): chr7:139,284,067, G>A. VCF-style: chr7-139284067-G-A. GRCh37 (hg19) VCF-style: chr7-138968813-G-A.
Identifiers: ClinVar variation 3055511 (VCV003055511.2), dbSNP rs61729573, ClinGen allele CA4509320.
Genomic context (GRCh38, chr7:139,284,067, plus strand): 5'-TGCCTCCCCAAAACTTGCCGCATCTCCCAAGCCTGCCACATCTCCTAAACCCCTGCCCTC[G>A]CCTAAGCCTTCTGCCTCACCCAAGCCCTCTCTGTCAGCTAAGCCTTCAGTATCAACTAAA-3'
Protein context (NP_775840.3, residues 1044-1064): KPATSPKPLP[Ser1054=]PKPSASPKPS